The following is an entry in ClinVar:

ClinVar aggregate classification (germline): Benign (0 of 4 stars; one submission).

Conditions:
CDK5R1-related disorder. Also called: CDK5R1-related condition.

Submission:

PreventionGenetics, part of Exact Sciences
Classification: Benign for CDK5R1-related condition. Last evaluated: 2019-02-20. Review status: no assertion criteria provided. Collection method: clinical testing. Allele origin: germline.
Comment: This variant is classified as benign based on ACMG/AMP sequence variant interpretation guidelines (Richards et al. 2015 PMID: 25741868, with internal and published modifications).

NM_003885.3(CDK5R1):c.183GAA[2] (p.Lys63del)

Gene: CDK5R1 (cyclin dependent kinase 5 regulatory subunit 1; plus strand). Cytogenetic location: 17q11.2.
Variant type: Microsatellite.
Coding change: c.183GAA[2] on transcript NM_003885.3 (MANE Select); two copies in a row of the 3-base unit GAA starting at c.183; the reference has three copies in a row; one copy, 3 bases deleted.
Protein change: p.Lys63del; deletes lysine 63.
Genome position (GRCh38, 1-based): chr17:32,487,809-32,487,811, GAA deleted; deleting any 3 consecutive bases within chr17:32,487,801-32,487,811 gives the same sequence; the position shown is the placement nearest the transcript's 3' end. VCF-style (leftmost placement, unchanged base first): chr17-32487800-CAAG-C. GRCh37 (hg19) VCF-style: chr17-30814818-CAAG-C.
Other names: short protein forms K63del.
Identifiers: ClinVar variation 3047724 (VCV003047724.2), dbSNP rs779061810, ClinGen allele CA8493181.